The following is an entry in ClinVar:

NM_032578.4(MYPN):c.719A>G (p.Gln240Arg)

Gene: MYPN (myopalladin; plus strand). Cytogenetic location: 10q21.3.
Variant type: single nucleotide variant.
Coding change: c.719A>G on transcript NM_032578.4 (MANE Select); coding-DNA position 719, A replaced by G.
Protein change: p.Gln240Arg; replaces glutamine 240 with arginine.
Molecular consequence: missense variant. On other transcripts: 5 prime UTR variant (1), non-coding transcript variant (1).
Genome position (GRCh38, 1-based): chr10:68,122,157, A>G. VCF-style: chr10-68122157-A-G. GRCh37 (hg19) VCF-style: chr10-69881914-A-G.
Other names: c.719A>G, p.Gln240Arg (NM_001256267.2); c.-404A>G (NM_001256268.2); short protein forms Q240R.
Identifiers: ClinVar variation 1990516 (VCV001990516.3), dbSNP rs750719293, ClinGen allele CA5522317.

ClinVar aggregate classification (germline): Uncertain significance (1 of 4 stars; one submission).

Conditions:
Dilated cardiomyopathy 1KK (CMD1KK). Identifiers: Orphanet 154, Orphanet 75249, MedGen C3714995, MONDO:0014100, OMIM 615248.

Allele frequency attached by ClinVar (database versions not stated): TOPMed below 0.00001; ExAC 0.00001; gnomAD exomes 0.00001.
gnomAD v4.1: 3 of 1,612,226 alleles (0.00019%); highest among the groups gnomAD compares: Admixed American, 0.0017%; no homozygotes.

Submission:

Labcorp Genetics (formerly Invitae), Labcorp
Classification: Uncertain significance for Dilated cardiomyopathy 1KK. Last evaluated: 2024-09-05. Review status: criteria provided, single submitter. Criteria: Invitae Variant Classification Sherloc (09022015). Collection method: clinical testing. Allele origin: germline.
Comment: This sequence change replaces glutamine, which is neutral and polar, with arginine, which is basic and polar, at codon 240 of the MYPN protein (p.Gln240Arg). This variant is present in population databases (rs750719293, gnomAD 0.003%). This variant has not been reported in the literature in individuals affected with MYPN-related conditions. ClinVar contains an entry for this variant (Variation ID: 1990516). An algorithm developed to predict the effect of missense changes on protein structure and function outputs the following: PolyPhen-2: "Benign". The arginine amino acid residue is found in multiple mammalian species, which suggests that this missense change does not adversely affect protein function. In summary, the available evidence is currently insufficient to determine the role of this variant in disease. Therefore, it has been classified as a Variant of Uncertain Significance.